The following is an entry in ClinVar:

NM_024513.4(FYCO1):c.2710_2713del (p.Asp904fs)

Gene: FYCO1 (FYVE and coiled-coil domain autophagy adaptor 1; minus strand). Cytogenetic location: 3p21.31.
Variant type: Deletion.
Coding change: c.2710_2713del on transcript NM_024513.4 (MANE Select); coding-DNA positions 2710 to 2713, 4 bases deleted (GACA; older notation c.2710_2713delGACA).
Protein change: p.Asp904fs; shifts the reading frame from aspartic acid 904.
Molecular consequence: frameshift variant. On other transcripts: non-coding transcript variant (1).
Genome position (GRCh38, 1-based): chr3:45,966,621-45,966,624, TGTC deleted on the plus strand (GACA on the coding strand, the reverse complement: FYCO1 is on the minus strand); deleting any 4 consecutive bases within chr3:45,966,621-45,966,627 gives the same sequence; the c. name uses the placement nearest the transcript's 3' end. VCF-style (leftmost placement, unchanged base first): chr3-45966620-GTGTC-G. GRCh37 (hg19) VCF-style: chr3-46008112-GTGTC-G.
Other names: c.2710_2713del, p.Asp904fs (NM_001386421.1, NM_001386422.1, NM_001386423.1 and 4 more transcripts); c.2590_2593del, p.Asp864fs (NM_001386426.1); c.2566_2569del, p.Asp856fs (NM_001386427.1); c.2110_2113del, p.Asp704fs (NM_001386430.1); short protein forms D704fs, D856fs, D864fs, D904fs.
Identifiers: ClinVar variation 3257352 (VCV003257352.17).

ClinVar aggregate classification (germline): Pathogenic (1 of 4 stars; one submission).

Submission:

CeGaT Center for Human Genetics Tuebingen
Classification: Pathogenic. Last evaluated: 2024-10-01. Review status: criteria provided, single submitter. Criteria: CeGaT Center For Human Genetics Tuebingen Variant Classification Criteria Version 2. Collection method: clinical testing. Allele origin: germline. Affected: yes. Observed: 2 variant alleles.
Comment: FYCO1: PVS1, PM2